The following is an entry in ClinVar:

NM_001267550.2(TTN):c.56764G>T (p.Glu18922Ter)

Genes: TTN (titin; minus strand), TTN-AS1 (TTN antisense RNA 1; plus strand). Cytogenetic location: 2q31.2.
Variant type: single nucleotide variant.
Coding change: c.56764G>T on transcript NM_001267550.2 (MANE Select); coding-DNA position 56764, G replaced by T.
Protein change: p.Glu18922Ter; replaces glutamic acid 18922 with a stop codon.
Molecular consequence: nonsense.
Genome position (GRCh38, 1-based): chr2:178,598,946, C>A on the plus strand (G>T on the coding strand, the complement: TTN is on the minus strand). VCF-style: chr2-178598946-C-A. GRCh37 (hg19) VCF-style: chr2-179463673-C-A.
Other names: c.51841G>T, p.Glu17281Ter (NM_001256850.1); c.29569G>T, p.Glu9857Ter (NM_003319.4); c.49060G>T, p.Glu16354Ter (NM_133378.4); c.29944G>T, p.Glu9982Ter (NM_133432.3); c.30145G>T, p.Glu10049Ter (NM_133437.4); short protein forms E10049*, E16354*, E17281*, E18922*, E9857*, E9982*.
Identifiers: ClinVar variation 4882070 (VCV004882070.2).

ClinVar aggregate classification (germline): Likely pathogenic (1 of 4 stars; one submission).

Submission:

Dasa
Classification: Likely pathogenic. Last evaluated: 2025-05-31. Review status: criteria provided, single submitter. Criteria: DASA Assertion Criteria. Collection method: clinical testing. Allele origin: germline.
Comment: NM_001267550.2(TTN):c.56764G>T (p.Glu18922*) is a nonsense variant in TTN predicted to introduce a premature termination codon and is predicted to result in an absent or altered protein product. Loss of function is an established disease mechanism for TTN-associated disorders. Also, this variant is absent from population databases. Based on the currently available evidence, this variant is classified as likely pathogenic.